The following is an entry in ClinVar:

NM_000059.4(BRCA2):c.7040C>A (p.Pro2347Gln)

Gene: BRCA2 (BRCA2 DNA repair associated; plus strand). Cytogenetic location: 13q13.1.
Variant type: single nucleotide variant.
Coding change: c.7040C>A on transcript NM_000059.4 (MANE Select); coding-DNA position 7040, C replaced by A.
Protein change: p.Pro2347Gln; replaces proline 2347 with glutamine.
Molecular consequence: missense variant.
Genome position (GRCh38, 1-based): chr13:32,354,893, C>A. VCF-style: chr13-32354893-C-A. GRCh37 (hg19) VCF-style: chr13-32929030-C-A.
Other names: short protein forms P2347Q.
Identifiers: ClinVar variation 52254 (VCV000052254.36), dbSNP rs80358929, ClinGen allele CA024783.

ClinVar aggregate classification (germline): Conflicting classifications of pathogenicity. Review status: criteria provided, conflicting classifications (1 of 4 stars). 13 submissions from 13 submitters: Uncertain significance (8); Benign (1); Likely benign (1). 3 of the submissions do not count toward it. Last evaluated 2025-11-19.

Conditions:
Hereditary breast ovarian cancer syndrome. Also called: Hereditary breast and ovarian cancer syndrome; Hereditary breast and ovarian cancer; Hereditary breast and ovarian cancer syndrome (HBOC); Breast and ovarian cancer; Hereditary breast and/or ovarian cancer syndrome; BRCA1- and BRCA2-Associated Hereditary Breast and Ovarian Cancer. Identifiers: Orphanet 145, MedGen C0677776, MeSH D061325, MONDO:0003582. Disease mechanism: loss of function.
BRCA2-related cancer predisposition. Identifiers: MedGen CN377758, MONDO:0700269.
Familial cancer of breast. Also called: BREAST CANCER, FAMILIAL; Hereditary breast cancer; hereditary breast carcinoma. Identifiers: Orphanet 227535, MedGen C0346153, MONDO:0016419, OMIM 114480. Disease mechanism: loss of function.
Hereditary cancer-predisposing syndrome. Also called: Neoplastic Syndromes, Hereditary; Tumor predisposition; Hereditary neoplastic syndrome; Hereditary Cancer Syndrome. Identifiers: Orphanet 140162, MedGen C0027672, MeSH D009386, MONDO:0015356.
Breast-ovarian cancer, familial, susceptibility to, 2 (BROVCA2). Also called: BRCA2 Hereditary Breast and Ovarian Cancer. Identifiers: Orphanet 145, MedGen C2675520, MONDO:0012933, OMIM 612555. Disease mechanism: loss of function.

Allele frequency attached by ClinVar (database versions not stated): TOPMed below 0.00001; gnomAD exomes 0.00004.
gnomAD v4.1: 64 of 1,612,846 alleles (0.004%); highest among the groups gnomAD compares: Non-Finnish European, 0.0053%; 1 homozygote.

Submissions (13):

Ambry Genetics
Classification: Uncertain significance for Hereditary cancer-predisposing syndrome. Last evaluated: 2025-11-19. Review status: criteria provided, single submitter. Criteria: Ambry Variant Classification Scheme 2023. Collection method: clinical testing. Allele origin: germline.
Comment: The p.P2347Q variant (also known as c.7040C>A), located in coding exon 13 of the BRCA2 gene, results from a C to A substitution at nucleotide position 7040. The proline at codon 2347 is replaced by glutamine, an amino acid with similar properties. This amino acid position is well conserved in available vertebrate species. In addition, the in silico prediction for this alteration is inconclusive. Based on the available evidence, the clinical significance of this variant remains unclear.

Labcorp Genetics (formerly Invitae), Labcorp
Classification: Uncertain significance for Hereditary breast ovarian cancer syndrome. Last evaluated: 2025-11-05. Review status: criteria provided, single submitter. Criteria: Invitae Variant Classification Sherloc (09022015). Collection method: clinical testing. Allele origin: germline.
Comment: This sequence change replaces proline, which is neutral and non-polar, with glutamine, which is neutral and polar, at codon 2347 of the BRCA2 protein (p.Pro2347Gln). This variant is not present in population databases (gnomAD no frequency). This missense change has been observed in individual(s) with prostate cancer or ovarian cancer (PMID: 21952622, 22711857). ClinVar contains an entry for this variant (Variation ID: 52254). Invitae Evidence Modeling of protein sequence and biophysical properties (such as structural, functional, and spatial information, amino acid conservation, physicochemical variation, residue mobility, and thermodynamic stability) indicates that this missense variant is not expected to disrupt BRCA2 protein function with a negative predictive value of 95%. Experimental studies have shown that this missense change does not substantially affect BRCA2 function (PMID: 37922907). In summary, the available evidence is currently insufficient to determine the role of this variant in disease. Therefore, it has been classified as a Variant of Uncertain Significance.

Myriad Genetics, Inc.
Classification: Benign for Breast-ovarian cancer, familial, susceptibility to, 2. Last evaluated: 2025-09-03. Review status: criteria provided, single submitter. Criteria: Myriad Autosomal Dominant, Autosomal Recessive and X-Linked Classification Criteria (2023). Collection method: clinical testing. Allele origin: unknown.
Comment: This variant is considered benign. This variant has been observed in trans with a known pathogenic variant in one or more individuals lacking clinical features consistent with gene-specific recessive disease. This variant is strongly associated with less severe personal and family histories of cancer, typical for individuals without pathogenic variants in this gene [PMID: 25085752].

Molecular Pathology, Peter Maccallum Cancer Centre
Classification: Likely benign for Breast-ovarian cancer, familial, susceptibility to, 2. Last evaluated: 2025-05-26. Review status: criteria provided, single submitter. Criteria: ACMG Guidelines, 2015. Collection method: clinical testing. Allele origin: germline. Inheritance: Autosomal dominant inheritance.

All of Us Research Program, National Institutes of Health
Classification: Uncertain significance for BRCA2-related cancer predisposition. Last evaluated: 2024-05-14. Review status: criteria provided, single submitter. Criteria: ACMG Guidelines, 2015. Collection method: clinical testing. Allele origin: germline. Inheritance: Autosomal dominant inheritance. Observed: 4 variant alleles, 4 heterozygotes.
Comment: This missense variant replaces proline with glutamine at codon 2347 of the BRCA2 protein. Computational prediction suggests that this variant may not impact protein structure and function (internally defined REVEL score threshold <= 0.5, PMID: 27666373). A functional study has shown that this variant does not impact cell survival or drug sensitivity in Brca2-deficient mouse embryonic stem cells (PMID: 37922907). This variant has been reported in one individual each affected with breast, prostate and ovarian cancer (PMID: 21741379, 21952622, 22711857) and in an individual age 70 years or older without cancer in the FLOSSIES database. This variant has not been identified in the general population by the Genome Aggregation Database (gnomAD). The available evidence is insufficient to determine the role of this variant in disease conclusively. Therefore, this variant is classified as a Variant of Uncertain Significance.

This study involves interpretation of variants in research participants for the purpose of population health screening. Participant phenotype was not available at the time of variant classification. Additional details can be found in publication PMID: 35346344, PMCID: PMC8962531

Color Diagnostics, LLC DBA Color Health
Classification: Uncertain significance for Hereditary cancer-predisposing syndrome. Last evaluated: 2024-01-30. Review status: criteria provided, single submitter. Criteria: ACMG Guidelines, 2015. Collection method: clinical testing. Allele origin: germline.
Comment: This missense variant replaces proline with glutamine at codon 2347 of the BRCA2 protein. Computational prediction suggests that this variant may not impact protein structure and function (internally defined REVEL score threshold <= 0.5, PMID: 27666373). A functional study has shown that this variant does not impact cell survival or drug sensitivity in Brca2-deficient mouse embryonic stem cells (PMID: 37922907). This variant has been reported in one individual each affected with breast, prostate and ovarian cancer (PMID: 21741379, 21952622, 22711857) and in an individual age 70 years or older without cancer in the FLOSSIES database. This variant has not been identified in the general population by the Genome Aggregation Database (gnomAD). The available evidence is insufficient to determine the role of this variant in disease conclusively. Therefore, this variant is classified as a Variant of Uncertain Significance.

Baylor Genetics
Classification: Uncertain significance for Familial cancer of breast. Last evaluated: 2023-12-01. Review status: criteria provided, single submitter. Criteria: ACMG Guidelines, 2015. Collection method: clinical testing. Allele origin: unknown.

GeneDx
Classification: Uncertain significance. Last evaluated: 2023-08-30. Review status: criteria provided, single submitter. Criteria: GeneDx Variant Classification Process June 2021. Collection method: clinical testing. Allele origin: germline. Affected: yes.
Comment: Observed in an individual with breast cancer and an individual with early-onset prostate cancer, and also co-occured with a pathogenic BRCA1/2 variant in an individual with ovarian cancer (Kote-Jarai et al., 2011; Warren et al., 2011; Alsop et al., 2012); Not observed at significant frequency in large population cohorts (gnomAD); In silico analysis supports that this missense variant does not alter protein structure/function; Also known as 7268C>A; This variant is associated with the following publications: (PMID: 22711857, 21741379, 21952622, 31131967, 31158355, 29884841, 29641532, 32377563, 31853058)

Quest Diagnostics Nichols Institute San Juan Capistrano
Classification: Uncertain significance. Last evaluated: 2019-12-12. Review status: criteria provided, single submitter. Criteria: Quest Diagnostics criteria. Collection method: clinical testing. Allele origin: unknown.

Women's Health and Genetics/Laboratory Corporation of America, LabCorp
Classification: Uncertain significance. Last evaluated: 2017-12-04. Review status: criteria provided, single submitter. Criteria: LabCorp Variant Classification Summary - May 2015. Collection method: clinical testing. Allele origin: germline.
Comment: Variant summary: The BRCA2 c.7040C>A (p.Pro2347Gln) variant involves the alteration of a non-conserved nucleotide and 3/4 in silico tools predict a damaging outcome for this variant (SNPsandGO not captured due to low reliability index). However, these predictions have yet to be functionally assessed. This variant is absent in 245898 control chromosomes (gnomAD). A publication, Alsop_2012 reports the variant in a patient that co-occurred with an unidentified pathogenic BRCA1/2 mutation. In addition, multiple clinical diagnostic laboratories/reputable databases classified this variant as uncertain significance. Taken together, this variant is classified as a "Variant of Uncertain Significance (VUS)."

Counsyl
Classification: Uncertain significance for Breast-ovarian cancer, familial, susceptibility to, 2. Last evaluated: 2017-04-19. Review status: no assertion criteria provided. Collection method: clinical testing. Allele origin: unknown. Not counted in ClinVar's aggregate classification.

Breast Cancer Information Core (BIC) (BRCA2)
Classification: Uncertain significance for Breast-ovarian cancer, familial 2. Last evaluated: 2003-12-23. Review status: no assertion criteria provided. Collection method: clinical testing. Allele origin: germline. Affected: yes. Observed: 1 variant allele. Not counted in ClinVar's aggregate classification.

Department of Pathology and Laboratory Medicine, Sinai Health System
Classification: Uncertain significance. Review status: no assertion criteria provided. Collection method: clinical testing. Allele origin: unknown. Affected: yes. Study: The Canadian Open Genetics Repository (COGR). Not counted in ClinVar's aggregate classification.
Comment: The BRCA2 p.Pro2347Gln variant was identified by Kote-Jarai (2011) in at least 1 of 3664 proband chromosomes from a cohort of men with prostate cancer; however, control chromosomes from healthy individuals were not evaluated in this study for comparison. The variant was also identified in the dbSNP (ID: rs80358929) â€šÃ„ÃºWith Uncertain significance alleleâ€šÃ„Ã¹, HGMD, BIC database (1X, unknown clinical significance), and the ClinVar database (submitted by BIC; submitted by Invitae with no classification provided). The variant occurs outside of the splicing consensus sequence and in silico or computational prediction software programs (SpliceSiteFinder, MaxEntScan, NNSPLICE, GeneSplicer, HumanSpliceFinder) do not predict a difference in splicing. The p.Pro2347 residue is not conserved in mammals and the variant amino acid glutamine (Gln) is present in African clawed frog and fugu, increasing the likelihood that this variant does not have clinical significance. Computational analyses (PolyPhen-2, SIFT, AlignGVGD, BLOSUM, MutationTaster) provide inconsistent predictions regarding the impact to the protein; this information is not very predictive of pathogenicity. In summary, based on the above information, the clinical significance of this variant cannot be determined with certainty at this time. This variant is classified as a variant of unknown significance.

Literature cited by the submitters: PubMed 21952622 (cited by 7 submitters); PubMed 22711857 (cited by 6 submitters); PubMed 29641532 (cited by Ambry Genetics); PubMed 31158355 (cited by Ambry Genetics); PubMed 37922907 (cited by 3 submitters); PubMed 25085752 (cited by Myriad Genetics, Inc.); PubMed 21741379 (cited by 4 submitters).